The following is an entry in ClinVar:

NM_001009999.3(KDM1A):c.831G>T (p.Glu277Asp)

Gene: KDM1A (lysine demethylase 1A; plus strand). Cytogenetic location: 1p36.12.
Variant type: single nucleotide variant.
Coding change: c.831G>T on transcript NM_001009999.3 (MANE Select); coding-DNA position 831, G replaced by T.
Protein change: p.Glu277Asp; replaces glutamic acid 277 with aspartic acid.
Molecular consequence: missense variant.
Genome position (GRCh38, 1-based): chr1:23,055,109, G>T. VCF-style: chr1-23055109-G-T. GRCh37 (hg19) VCF-style: chr1-23381602-G-T.
Other names: c.771G>T, p.Glu257Asp (NM_001410763.1, NM_015013.4, NM_001363654.2); c.831G>T, p.Glu277Asp (NM_001410762.1); c.831G>T (NM_001009999.2); short protein forms E277D, E257D.
Identifiers: ClinVar variation 3687818 (VCV003687818.4).
Genomic context (GRCh38, chr1:23,055,109, plus strand): 5'-TTAATCCACTTATTCTGTAGGTGATACTGTGCTTGTCCACCGAGTTCACAGTTATTTAGA[G>T]CGTCATGGTCTTATCAACTTCGGCATCTATAAGAGGATAAAACCCCTACCAAGTAAGGAC-3'
Protein context (NP_001009999.1, residues 267-287): VLVHRVHSYL[Glu277Asp]RHGLINFGIY

ClinVar aggregate classification (germline): Uncertain significance. Review status: criteria provided, multiple submitters, no conflicts (2 of 4 stars). 2 submissions from 2 submitters: Uncertain significance (2). Last evaluated 2026-06-23.

Conditions:
Inborn genetic diseases. Identifiers: MedGen C0950123, MeSH D030342.

gnomAD v4.1: 10 of 1,612,426 alleles (0.00062%); highest among the groups gnomAD compares: Non-Finnish European, 0.00085%; no homozygotes.

Submissions (2):

Ambry Genetics
Classification: Uncertain significance for Inborn genetic diseases. Last evaluated: 2026-06-23. Review status: criteria provided, single submitter. Criteria: Ambry Variant Classification Scheme 2023. Collection method: clinical testing. Allele origin: germline.

Labcorp Genetics (formerly Invitae), Labcorp
Classification: Uncertain significance. Last evaluated: 2024-07-12. Review status: criteria provided, single submitter. Criteria: Invitae Variant Classification Sherloc (09022015). Collection method: clinical testing. Allele origin: germline.
Comment: This sequence change replaces glutamic acid, which is acidic and polar, with aspartic acid, which is acidic and polar, at codon 277 of the KDM1A protein (p.Glu277Asp). This variant is present in population databases (no rsID available, gnomAD 0.007%). This variant has not been reported in the literature in individuals affected with KDM1A-related conditions. Advanced modeling of protein sequence and biophysical properties (such as structural, functional, and spatial information, amino acid conservation, physicochemical variation, residue mobility, and thermodynamic stability) performed at Invitae indicates that this missense variant is not expected to disrupt KDM1A protein function with a negative predictive value of 80%. In summary, the available evidence is currently insufficient to determine the role of this variant in disease. Therefore, it has been classified as a Variant of Uncertain Significance.